The following is an entry in ClinVar:

NM_001205293.3(CACNA1E):c.2535C>A (p.Phe845Leu)

Gene: CACNA1E (calcium voltage-gated channel subunit alpha1 E; plus strand). Cytogenetic location: 1q25.3.
Variant type: single nucleotide variant.
Coding change: c.2535C>A on transcript NM_001205293.3 (MANE Select); coding-DNA position 2535, C replaced by A.
Protein change: p.Phe845Leu; replaces phenylalanine 845 with leucine.
Molecular consequence: missense variant.
Genome position (GRCh38, 1-based): chr1:181,732,621, C>A. VCF-style: chr1-181732621-C-A. GRCh37 (hg19) VCF-style: chr1-181701757-C-A.
Other names: c.2535C>A, p.Phe845Leu (NM_000721.4); c.2478C>A, p.Phe826Leu (NM_001205294.2); short protein forms F826L, F845L.
Identifiers: ClinVar variation 2704124 (VCV002704124.3), dbSNP rs771030074, ClinGen allele CA343617613.

ClinVar aggregate classification (germline): Uncertain significance (1 of 4 stars; one submission).

gnomAD v4.1: 1 of 1,486,348 alleles (0.000067%); highest among the groups gnomAD compares: Non-Finnish European, 0.000089%; no homozygotes.

Submission:

Labcorp Genetics (formerly Invitae), Labcorp
Classification: Uncertain significance. Last evaluated: 2023-12-19. Review status: criteria provided, single submitter. Criteria: Invitae Variant Classification Sherloc (09022015). Collection method: clinical testing. Allele origin: germline.
Comment: This sequence change replaces phenylalanine, which is neutral and non-polar, with leucine, which is neutral and non-polar, at codon 845 of the CACNA1E protein (p.Phe845Leu). This variant is not present in population databases (gnomAD no frequency). This variant has not been reported in the literature in individuals affected with CACNA1E-related conditions. Advanced modeling of protein sequence and biophysical properties (such as structural, functional, and spatial information, amino acid conservation, physicochemical variation, residue mobility, and thermodynamic stability) performed at Invitae indicates that this missense variant is not expected to disrupt CACNA1E protein function with a negative predictive value of 95%. In summary, the available evidence is currently insufficient to determine the role of this variant in disease. Therefore, it has been classified as a Variant of Uncertain Significance.